The following is an entry in ClinVar:

NM_002827.4(PTPN1):c.409_422del (p.Asp137fs)

Gene: PTPN1 (protein tyrosine phosphatase non-receptor type 1; plus strand). Cytogenetic location: 20q13.13.
Variant type: Deletion.
Coding change: c.409_422del on transcript NM_002827.4 (MANE Select); coding-DNA positions 409 to 422, 14 bases deleted (GACACAAATTTGAA).
Protein change: p.Asp137fs; shifts the reading frame from aspartic acid 137.
Molecular consequence: frameshift variant.
Genome position (GRCh38, 1-based): chr20:50,574,571-50,574,584, GACACAAATTTGAA deleted; deleting any 14 consecutive bases within chr20:50,574,565-50,574,584 gives the same sequence; the c. name uses the placement nearest the transcript's 3' end. VCF-style (leftmost placement, unchanged base first): chr20-50574564-CTTTGAAGACACAAA-C. GRCh37 (hg19) VCF-style: chr20-49191101-CTTTGAAGACACAAA-C.
Other names: c.190_203del, p.Asp64fs (NM_001278618.2); short protein forms D137fs, D64fs.
Identifiers: ClinVar variation 4818965 (VCV004818965.1).
Genomic context (GRCh38, chr20:50,574,564, plus strand): 5'-TTTGTTTCCCCAGTTAAAATGCGCACAATACTGGCCACAAAAAGAAGAAAAAGAGATGAT[CTTTGAAGACACAAA>C]TTTGAAATTAACATTGATCTCTGAAGATATCAAGTCATATTATACAGTGCGACAGCTAGA-3'

ClinVar aggregate classification (germline): Likely pathogenic (1 of 4 stars; one submission).

Conditions:
Type 1 interferonopathy of childhood. Identifiers: Orphanet 481671, MedGen C5681250, MONDO:0957408.

Submission:

Victorian Clinical Genetics Services, Murdoch Childrens Research Institute
Classification: Likely pathogenic for Type 1 interferonopathy of childhood. Last evaluated: 2026-01-07. Review status: criteria provided, single submitter. Criteria: ACMG Guidelines, 2015. Collection method: clinical testing. Allele origin: germline. Affected: yes.
Comment: This variant is classified as Likely pathogenic. Evidence in support of pathogenic classification: Variant is predicted to cause nonsense-mediated decay (NMD) and loss of protein (premature termination codon is located at least 54 nucleotides upstream of the final exon-exon junction); Variant is absent from gnomAD (v2, v3 and v4); Other NMD-predicted variants comparable to the one identified in this case have strong previous evidence for pathogenicity. Multiple NMD-predicted variants have been reported in a heterozygous state in individuals presenting with PTPN1-related phenotypes (PMID: 39986310). Additional information: This variant is heterozygous; This gene is associated with autosomal dominant disease; This variant has no previous evidence of pathogenicity; No published evidence of segregation with disease has been identified for this variant; No published functional evidence has been identified for this variant; Loss of function is a known mechanism of disease in this gene and is associated with type 1 interferonopathy of childhood (MONDO:0957408), PTPN1-related (PMID: 39986310); The condition associated with this gene has incomplete penetrance. Multiple affected individuals have inherited pathogenic variants from an asymptomatic parent (PMID: 39986310).

Literature cited by the submitters: PubMed 39986310.